The following is an entry in ClinVar:

NM_006231.4(POLE):c.1093G>T (p.Asp365Tyr)

Gene: POLE (DNA polymerase epsilon, catalytic subunit; minus strand). Cytogenetic location: 12q24.33.
Variant type: single nucleotide variant.
Coding change: c.1093G>T on transcript NM_006231.4 (MANE Select); coding-DNA position 1093, G replaced by T.
Protein change: p.Asp365Tyr; replaces aspartic acid 365 with tyrosine.
Molecular consequence: missense variant.
Genome position (GRCh38, 1-based): chr12:132,675,748, C>A on the plus strand (G>T on the coding strand, the complement: POLE is on the minus strand). VCF-style: chr12-132675748-C-A. GRCh37 (hg19) VCF-style: chr12-133252334-C-A.
Other names: short protein forms D365Y.
Identifiers: ClinVar variation 1463604 (VCV001463604.9), dbSNP rs2136011066, ClinGen allele CA387361377.

ClinVar aggregate classification (germline): Uncertain significance. Review status: criteria provided, multiple submitters, no conflicts (2 of 4 stars). 2 submissions from 2 submitters: Uncertain significance (2). Last evaluated 2025-11-25.

Conditions:
Hereditary cancer-predisposing syndrome. Also called: Tumor predisposition; Hereditary neoplastic syndrome; Hereditary Cancer Syndrome; Neoplastic Syndromes, Hereditary. Identifiers: Orphanet 140162, MedGen C0027672, MeSH D009386, MONDO:0015356.

Submissions (2):

Ambry Genetics
Classification: Uncertain significance for Hereditary cancer-predisposing syndrome. Last evaluated: 2025-11-25. Review status: criteria provided, single submitter. Criteria: Ambry Variant Classification Scheme 2023. Collection method: clinical testing. Allele origin: germline.
Comment: The p.D365Y variant (also known as c.1093G>T), located in coding exon 11 of the POLE gene, results from a G to T substitution at nucleotide position 1093. The aspartic acid at codon 365 is replaced by tyrosine, an amino acid with highly dissimilar properties. This amino acid position is highly conserved in available vertebrate species. In addition, this alteration is predicted to be deleterious by in silico analysis. Since supporting evidence is limited at this time, the clinical significance of this alteration remains unclear.

Labcorp Genetics (formerly Invitae), Labcorp
Classification: Uncertain significance. Last evaluated: 2023-05-30. Review status: criteria provided, single submitter. Criteria: Invitae Variant Classification Sherloc (09022015). Collection method: clinical testing. Allele origin: germline.
Comment: This sequence change replaces aspartic acid, which is acidic and polar, with tyrosine, which is neutral and polar, at codon 365 of the POLE protein (p.Asp365Tyr). In summary, the available evidence is currently insufficient to determine the role of this variant in disease. Therefore, it has been classified as a Variant of Uncertain Significance. RNA analysis performed to evaluate the impact of this missense change on mRNA splicing indicates it does not significantly alter splicing (Invitae). Advanced modeling of protein sequence and biophysical properties (such as structural, functional, and spatial information, amino acid conservation, physicochemical variation, residue mobility, and thermodynamic stability) performed at Invitae indicates that this missense variant is expected to disrupt POLE protein function. ClinVar contains an entry for this variant (Variation ID: 1463604). This variant has not been reported in the literature in individuals affected with POLE-related conditions. This variant is not present in population databases (gnomAD no frequency).